The following is an entry in ClinVar:

ClinVar aggregate classification (germline): Benign (1 of 4 stars; one submission).

gnomAD v4.1: 52,550 of 1,614,124 alleles (3.3%); highest among the groups gnomAD compares: Non-Finnish European, 3.8%; 984 homozygotes.

Submission:

Mayo Clinic Laboratories, Mayo Clinic
Classification: Benign. Last evaluated: 2023-04-27. Review status: criteria provided, single submitter. Criteria: ACMG Guidelines, 2015. Collection method: clinical testing. Allele origin: germline. Observed: 23 variant alleles.
Comment: BS1, BS2, BP4, BP7

NM_016614.3(TDP2):c.735A>G (p.Leu245=)

Gene: TDP2 (tyrosyl-DNA phosphodiesterase 2; minus strand). Cytogenetic location: 6p22.3.
Variant type: single nucleotide variant.
Coding change: c.735A>G on transcript NM_016614.3 (MANE Select); coding-DNA position 735, A replaced by G.
Protein change: p.Leu245=; no amino-acid change (leucine 245 retained).
Molecular consequence: synonymous variant.
Genome position (GRCh38, 1-based): chr6:24,653,055, T>C on the plus strand (A>G on the coding strand, the complement: TDP2 is on the minus strand). VCF-style: chr6-24653055-T-C. GRCh37 (hg19) VCF-style: chr6-24653283-T-C.
Other names: p.Leu245=.
Identifiers: ClinVar variation 4684908 (VCV004684908.1).
Genomic context (GRCh38, chr6:24,653,055, plus strand): 5'-TAGATTTGTATCTCCTGCAAATATAACTGTAGCTGACTCTGGAGCCTCTTGCATTTTCTT[T>C]AAAACCATTTTTAACTGATTCATTCGTTCCGCAGCATGCCCTCTGGTGCTCTCCAAATGG-3'
Protein context (NP_057698.2, residues 235-255): AERMNQLKMV[Leu245=]KKMQEAPESA